The following is an entry in ClinVar:

ClinVar aggregate classification (germline): Uncertain significance (1 of 4 stars; one submission).

Conditions:
Neuromuscular disease. Also called: Neuromuscular disorder; Neuromyopathy. Identifiers: Orphanet 68381, MedGen C0027868, MeSH D009468, MONDO:0019056.

Submission:

Broad Center for Mendelian Genomics, Broad Institute of MIT and Harvard
Classification: Uncertain significance for Neuromuscular disease. Last evaluated: 2024-11-25. Review status: criteria provided, single submitter. Criteria: ACMG Guidelines, 2015. Collection method: curation. Allele origin: germline. Inheritance: Autosomal dominant inheritance. Study: GREGoR Consortium.
Comment: While this gene is still lacking sufficient evidence to establish a gene-disease relationship, we believe this is a possible novel gene candidate for a muscle disorder. Given the limited information about this gene-disease relationship, the significance of the p.Pro89Ser variant is uncertain. If you have any additional information about functional evidence or other individuals with this phenotype that also have variants in TMEM106A we encourage you to reach out to us.

NM_145041.4(TMEM106A):c.265C>T (p.Pro89Ser)

Gene: TMEM106A (transmembrane protein 106A; plus strand). Cytogenetic location: 17q21.31.
Variant type: single nucleotide variant.
Coding change: c.265C>T on transcript NM_145041.4 (MANE Select); coding-DNA position 265, C replaced by T.
Protein change: p.Pro89Ser; replaces proline 89 with serine.
Molecular consequence: missense variant.
Genome position (GRCh38, 1-based): chr17:43,213,881, C>T. VCF-style: chr17-43213881-C-T. GRCh37 (hg19) VCF-style: chr17-41365900-C-T.
Other names: NM_001291588.2:c.265C>T; c.265C>T, p.Pro89Ser (NM_001291586.2, NM_001291588.2); c.121C>T, p.Pro41Ser (NM_001291587.2); short protein forms P41S, P89S.
Identifiers: ClinVar variation 3383309 (VCV003383309.1).